The following is an entry in ClinVar:

NC_000005.10:g.112707326A>T

Gene: APC (APC regulator of Wnt signaling pathway; plus strand). Cytogenetic location: 5q22.2.
Variant type: single nucleotide variant.
Genome position: GRCh38 VCF-style: chr5-112707326-A-T. GRCh37 (hg19) VCF-style: chr5-112043023-A-T.
Identifiers: ClinVar variation 1378003 (VCV001378003.6), dbSNP rs2149627939, ClinGen allele CA2573138733.

ClinVar aggregate classification (germline): Uncertain significance (1 of 4 stars; one submission).

Conditions:
Familial adenomatous polyposis 1 (FAP1). Also called: FAMILIAL ADENOMATOUS POLYPOSIS 1, ATTENUATED; POLYPOSIS, ADENOMATOUS INTESTINAL. Identifiers: MedGen C2713442, MONDO:0021056, OMIM 175100. Disease mechanism: loss of function.

Submission:

Labcorp Genetics (formerly Invitae), Labcorp
Classification: Uncertain significance for Familial adenomatous polyposis 1. Last evaluated: 2021-01-09. Review status: criteria provided, single submitter. Criteria: Invitae Variant Classification Sherloc (09022015). Collection method: clinical testing. Allele origin: germline.
Comment: In summary, the available evidence is currently insufficient to determine the role of this variant in disease. Therefore, it has been classified as a Variant of Uncertain Significance. Experimental studies and prediction algorithms are not available or were not evaluated, and the functional significance of this variant is currently unknown. This variant has not been reported in the literature in individuals with APC-related conditions. The frequency data for this variant in the population databases is considered unreliable, as metrics indicate insufficient coverage at this position in the ExAC database. This variant occurs in a non-coding region of the APC gene. It does not change the encoded amino acid sequence of the APC protein.